The following is an entry in ClinVar:

NM_014762.4(DHCR24):c.*731T>C

Gene: DHCR24 (24-dehydrocholesterol reductase; minus strand). Cytogenetic location: 1p32.3.
Variant type: single nucleotide variant.
Coding change: c.*731T>C on transcript NM_014762.4 (MANE Select); 731 bases downstream of the stop codon, T replaced by C.
Molecular consequence: 3 prime UTR variant.
Genome position (GRCh38, 1-based): chr1:54,851,502, A>G on the plus strand (T>C on the coding strand, the complement: DHCR24 is on the minus strand). VCF-style: chr1-54851502-A-G. GRCh37 (hg19) VCF-style: chr1-55317175-A-G.
Identifiers: ClinVar variation 297635 (VCV000297635.5), dbSNP rs116289873, ClinGen allele CA10610124.

ClinVar aggregate classification (germline): Likely benign (1 of 4 stars; one submission).

Conditions:
Desmosterolosis. Identifiers: Orphanet 35107, MedGen C1865596, MONDO:0011217, OMIM 602398.

Allele frequency attached by ClinVar (database versions not stated): gnomAD 0.00056 and 0.00060; TOPMed 0.00068; 1000 Genomes Project 0.00080; 1000 Genomes Project 30x 0.00094; gnomAD exomes 0.00136.
gnomAD v4.1: 92 of 153,040 alleles (0.06%); highest among the groups gnomAD compares: Non-Finnish European, 0.1%; no homozygotes.

Submission:

Illumina Laboratory Services, Illumina
Classification: Likely benign for Desmosterolosis. Last evaluated: 2018-01-12. Review status: criteria provided, single submitter. Criteria: ICSL Variant Classification Criteria 13 December 2019. Collection method: clinical testing. Allele origin: germline.
Comment: This variant was observed in the ICSL laboratory as part of a predisposition screen in an ostensibly healthy population. It had not been previously curated by ICSL or reported in the Human Gene Mutation Database (HGMD: prior to June 1st, 2018), and was therefore a candidate for classification through an automated scoring system. Utilizing variant allele frequency, disease prevalence and penetrance estimates, and inheritance mode, an automated score was calculated to assess if this variant is too frequent to cause the disease. Based on the score and internal cut-off values, a variant classified as likely benign is not then subjected to further curation. The score for this variant resulted in a classification of likely benign for this disease.